The following is an entry in ClinVar:

NM_000138.5(FBN1):c.2569_2570del (p.Val857fs)

Gene: FBN1 (fibrillin 1; minus strand). Cytogenetic location: 15q21.1.
Variant type: Deletion.
Coding change: c.2569_2570del on transcript NM_000138.5 (MANE Select); coding-DNA positions 2569 to 2570, 2 bases deleted (GT; older notation c.2569_2570delGT).
Protein change: p.Val857fs; shifts the reading frame from valine 857.
Molecular consequence: frameshift variant.
Genome position (GRCh38, 1-based): chr15:48,495,230-48,495,231, AC deleted on the plus strand (GT on the coding strand, the reverse complement: FBN1 is on the minus strand); deleting any 2 consecutive bases within chr15:48,495,230-48,495,232 gives the same sequence; the c. name uses the placement nearest the transcript's 3' end. VCF-style (leftmost placement, unchanged base first): chr15-48495229-GAC-G. GRCh37 (hg19) VCF-style: chr15-48787426-GAC-G.
Other names: c.2569_2570delGT (NM_000138.4); short protein forms V857fs.
Identifiers: ClinVar variation 200153 (VCV000200153.2), dbSNP rs794728301, ClinGen allele CA013212.

ClinVar aggregate classification (germline): Pathogenic (1 of 4 stars; one submission).

Submission:

GeneDx
Classification: Pathogenic. Last evaluated: 2012-11-27. Review status: criteria provided, single submitter. Criteria: GeneDx Variant Classification (06012015). Collection method: clinical testing. Allele origin: germline. Affected: yes.
Comment: Although the c.2569_2570delGT variant in the FBN1 gene has not been reported to our knowledge, this variant causes a shift in reading frame starting at codon Valine 857, changing it to a Histidine, and creating a premature stop codon at position 2 of the new reading frame, denoted p.Val857HisfsX2. This variant is expected to result in either an abnormal, truncated protein product or loss of protein from this allele through nonsense-mediated mRNA decay. Other frameshift variants in the FBN1 gene have been reported in association with Marfan syndrome. In summary, c.2569_2570delGT in the FBN1 gene is interpreted as a pathogenic variant.